The following is an entry in ClinVar:

NM_001818.5(AKR1C4):c.158A>T (p.Tyr53Phe)

Gene: AKR1C4 (aldo-keto reductase family 1 member C4; plus strand). Cytogenetic location: 10p15.1.
Variant type: single nucleotide variant.
Coding change: c.158A>T on transcript NM_001818.5 (MANE Select); coding-DNA position 158, A replaced by T.
Protein change: p.Tyr53Phe; replaces tyrosine 53 with phenylalanine.
Molecular consequence: missense variant.
Genome position (GRCh38, 1-based): chr10:5,200,254, A>T. VCF-style: chr10-5200254-A-T. GRCh37 (hg19) VCF-style: chr10-5242217-A-T.
Other names: short protein forms Y53F.
Identifiers: ClinVar variation 4996398 (VCV004996398.1).

ClinVar aggregate classification (germline): Uncertain significance (1 of 4 stars; one submission).

Conditions:
AKR1C4-related disorder. Also called: AKR1C4-related condition.

Submission:

PreventionGenetics, part of Exact Sciences
Classification: Uncertain significance for AKR1C4-related condition. Last evaluated: 2025-11-26. Review status: criteria provided, single submitter. Criteria: ACMG Guidelines, 2015. Collection method: clinical testing. Allele origin: germline.
Comment: The AKR1C4 c.158A>T variant is predicted to result in the amino acid substitution p.Tyr53Phe. To our knowledge, this variant has not been reported in the literature or in a large population database (gnomAD), indicating this variant is rare. At this time, the clinical significance of this variant is uncertain due to the absence of conclusive functional and genetic evidence.